The following is an entry in ClinVar:

NM_001276345.2(TNNT2):c.709G>A (p.Asp237Asn)

Gene: TNNT2 (troponin T2, cardiac type; minus strand). Cytogenetic location: 1q32.1.
Variant type: single nucleotide variant.
Coding change: c.709G>A on transcript NM_001276345.2 (MANE Select); coding-DNA position 709, G replaced by A.
Protein change: p.Asp237Asn; replaces aspartic acid 237 with asparagine.
Molecular consequence: missense variant.
Genome position (GRCh38, 1-based): chr1:201,361,923, C>T on the plus strand (G>A on the coding strand, the complement: TNNT2 is on the minus strand). VCF-style: chr1-201361923-C-T. GRCh37 (hg19) VCF-style: chr1-201331051-C-T.
Other names: c.700G>A, p.Asp234Asn (NM_000364.4, NM_001406723.1); c.679G>A, p.Asp227Asn (NM_001001430.3, NM_001276347.2, NM_001406724.1); c.670G>A, p.Asp224Asn (NM_001001431.3, NM_001406726.1, NM_001406727.1); c.661G>A, p.Asp221Asn (NM_001001432.3); c.580G>A, p.Asp194Asn (NM_001276346.2); c.676G>A, p.Asp226Asn (NM_001406725.1); c.664G>A, p.Asp222Asn (NM_001406728.1); c.679G>A (NM_001001430.1); short protein forms D221N, D227N, D234N, D222N, D224N, D194N, D237N, D226N.
Identifiers: ClinVar variation 2073815 (VCV002073815.6), dbSNP rs867035950, ClinGen allele CA35418679.

ClinVar aggregate classification (germline): Uncertain significance. Review status: criteria provided, multiple submitters, no conflicts (2 of 4 stars). 3 submissions from 3 submitters: Uncertain significance (3). Last evaluated 2025-07-25.

Conditions:
Cardiomyopathy (CMYO). Also called: Cardiomyopathies. Identifiers: Orphanet 167848, MedGen C0878544, MONDO:0004994, HP:0001638. Inheritance: Various modes of inheritance.
Dilated cardiomyopathy 1D. Identifiers: Orphanet 154, Orphanet 54260, MedGen C1832243, MONDO:0011095, OMIM 601494.
Cardiomyopathy, familial restrictive, 3. Identifiers: Orphanet 75249, MedGen C2676271, MONDO:0012900, OMIM 612422.
Hypertrophic cardiomyopathy 2. Also called: TNNT2-Related Familial Hypertrophic Cardiomyopathy. Identifiers: MedGen C1861864, MONDO:0007266, OMIM 115195.

Allele frequency attached by ClinVar (database versions not stated): gnomAD 0.00001; TOPMed 0.00001.
gnomAD v4.1: 1 of 1,613,944 alleles (0.000062%); highest among the groups gnomAD compares: Non-Finnish European, 0.000085%; no homozygotes.

Submissions (3):

Color Diagnostics, LLC DBA Color Health
Classification: Uncertain significance for Cardiomyopathy. Last evaluated: 2025-07-25. Review status: criteria provided, single submitter. Criteria: ACMG Guidelines, 2015. Collection method: clinical testing. Allele origin: germline.
Comment: This missense variant replaces aspartic acid with asparagine at codon 227 of the TNNT2 protein. Computational prediction suggests that this variant may have a deleterious impact on protein structure and function. To our knowledge, functional studies have not been reported for this variant. This variant has not been reported in individuals affected with TNNT2-related disorders in the literature. This variant has not been identified in the general population by the Genome Aggregation Database (gnomAD). The available evidence is insufficient to determine the role of this variant in disease conclusively. Therefore, this variant is classified as a Variant of Uncertain Significance.

GeneDx
Classification: Uncertain significance. Last evaluated: 2025-03-18. Review status: criteria provided, single submitter. Criteria: GeneDx Variant Classification Process June 2021. Collection method: clinical testing. Allele origin: germline. Affected: yes.
Comment: Not observed at significant frequency in large population cohorts (gnomAD); In silico analysis supports that this missense variant has a deleterious effect on protein structure/function; Has not been previously published as pathogenic or benign to our knowledge

Labcorp Genetics (formerly Invitae), Labcorp
Classification: Uncertain significance for Cardiomyopathy, familial restrictive, 3; Hypertrophic cardiomyopathy 2; Dilated cardiomyopathy 1D. Last evaluated: 2022-05-19. Review status: criteria provided, single submitter. Criteria: Invitae Variant Classification Sherloc (09022015). Collection method: clinical testing. Allele origin: germline.
Comment: In summary, the available evidence is currently insufficient to determine the role of this variant in disease. Therefore, it has been classified as a Variant of Uncertain Significance. Algorithms developed to predict the effect of missense changes on protein structure and function are either unavailable or do not agree on the potential impact of this missense change (SIFT: "Tolerated"; PolyPhen-2: "Possibly Damaging"; Align-GVGD: "Class C0"). This variant has not been reported in the literature in individuals affected with TNNT2-related conditions. This variant is not present in population databases (gnomAD no frequency). This sequence change replaces aspartic acid, which is acidic and polar, with asparagine, which is neutral and polar, at codon 227 of the TNNT2 protein (p.Asp227Asn).